The following is an entry in ClinVar:

ClinVar aggregate classification (germline): Uncertain significance (1 of 4 stars; one submission).

Allele frequency attached by ClinVar (database versions not stated): ExAC 0.00001; gnomAD exomes 0.00001.
gnomAD v4.1: 30 of 1,611,948 alleles (0.0019%); highest among the groups gnomAD compares: Non-Finnish European, 0.0024%; no homozygotes.

Submission:

Labcorp Genetics (formerly Invitae), Labcorp
Classification: Uncertain significance. Last evaluated: 2026-01-05. Review status: criteria provided, single submitter. Criteria: Invitae Variant Classification Sherloc (09022015). Collection method: clinical testing. Allele origin: germline.
Comment: This sequence change replaces threonine, which is neutral and polar, with serine, which is neutral and polar, at codon 215 of the PAFAH1B1 protein (p.Thr215Ser). This variant is present in population databases (rs770192064, gnomAD 0.003%). This variant has not been reported in the literature in individuals affected with PAFAH1B1-related conditions. ClinVar contains an entry for this variant (Variation ID: 1405682). An algorithm developed to predict the effect of missense changes on protein structure and function (PolyPhen-2) suggests that this variant is likely to be tolerated. In summary, the available evidence is currently insufficient to determine the role of this variant in disease. Therefore, it has been classified as a Variant of Uncertain Significance.

NM_000430.4(PAFAH1B1):c.644C>G (p.Thr215Ser)

Gene: PAFAH1B1 (platelet activating factor acetylhydrolase 1b regulatory subunit 1; plus strand). Cytogenetic location: 17p13.3.
Variant type: single nucleotide variant.
Coding change: c.644C>G on transcript NM_000430.4 (MANE Select); coding-DNA position 644, C replaced by G.
Protein change: p.Thr215Ser; replaces threonine 215 with serine.
Molecular consequence: missense variant.
Genome position (GRCh38, 1-based): chr17:2,672,730, C>G. VCF-style: chr17-2672730-C-G. GRCh37 (hg19) VCF-style: chr17-2576024-C-G.
Other names: short protein forms T215S.
Identifiers: ClinVar variation 1405682 (VCV001405682.6), dbSNP rs770192064, ClinGen allele CA8283231.